The following is an entry in ClinVar:

ClinVar aggregate classification (germline): Uncertain significance. Review status: criteria provided, multiple submitters, no conflicts (2 of 4 stars). 2 submissions from 2 submitters: Uncertain significance (2). Last evaluated 2024-08-19.

Conditions:
Congenital myopathy 22A, classic (CMYO22A). Identifiers: MedGen C5830453, MONDO:0957247, OMIM 620351.
Hypokalemic periodic paralysis, type 2 (HOKPP2). Identifiers: Orphanet 681, MedGen C2750061, MONDO:0013234, OMIM 613345.
Hyperkalemic periodic paralysis. Also called: Gamstorp disease; Familial hyperkalemic periodic paralysis. Identifiers: Orphanet 682, MedGen C0238357, MONDO:0008224, OMIM 170500, HP:0007215.
Congenital myopathy 22B, severe fetal (CMYO22B). Identifiers: MedGen C5830501, MONDO:0957265, OMIM 620369.
Congenital myasthenic syndrome 16. Identifiers: Orphanet 590, MedGen C3280112, MONDO:0013620, OMIM 614198.
Potassium-aggravated myotonia. Also called: MYOTONIA CONGENITA, ACETAZOLAMIDE-RESPONSIVE; MYOTONIA CONGENITA, ATYPICAL; SODIUM CHANNEL MUSCLE DISEASE; Myotonia congenita, atypical, acetazolamide-responsive. Identifiers: Orphanet 612, Orphanet 99734, Orphanet 99735, Orphanet 99736, MedGen C2931826, MONDO:0018959, OMIM 608390.
Paramyotonia congenita of Von Eulenburg. Also called: PARALYSIS PERIODICA PARAMYOTONICA; Eulenburg disease; Myotonia congenita intermittens; Von Eulenburg paramyotonia congenita; Paramyotonia Congenita. Identifiers: Orphanet 684, MedGen C0221055, MONDO:0008195, OMIM 168300. Disease mechanism: loss of function.

Submissions (2):

GeneDx
Classification: Uncertain significance. Last evaluated: 2024-08-19. Review status: criteria provided, single submitter. Criteria: GeneDx Variant Classification Process June 2021. Collection method: clinical testing. Allele origin: germline. Affected: yes.
Comment: Not observed at significant frequency in large population cohorts (gnomAD); In silico analysis supports that this missense variant has a deleterious effect on protein structure/function; Has not been previously published as pathogenic or benign to our knowledge

Fulgent Genetics
Classification: Uncertain significance for Paramyotonia congenita of Von Eulenburg; Hyperkalemic periodic paralysis; Potassium-aggravated myotonia; Hypokalemic periodic paralysis, type 2; Congenital myasthenic syndrome 16; Congenital myopathy 22A, classic; Congenital myopathy 22B, severe fetal. Last evaluated: 2024-02-09. Review status: criteria provided, single submitter. Criteria: ACMG Guidelines, 2015. Collection method: clinical testing. Allele origin: germline.

NM_000334.4(SCN4A):c.641A>G (p.Asn214Ser)

Gene: SCN4A (sodium voltage-gated channel alpha subunit 4; minus strand). Cytogenetic location: 17q23.3.
Variant type: single nucleotide variant.
Coding change: c.641A>G on transcript NM_000334.4 (MANE Select); coding-DNA position 641, A replaced by G.
Protein change: p.Asn214Ser; replaces asparagine 214 with serine.
Molecular consequence: missense variant.
Genome position (GRCh38, 1-based): chr17:63,971,224, T>C on the plus strand (A>G on the coding strand, the complement: SCN4A is on the minus strand). VCF-style: chr17-63971224-T-C. GRCh37 (hg19) VCF-style: chr17-62048584-T-C.
Other names: short protein forms N214S.
Identifiers: ClinVar variation 3582715 (VCV003582715.2).